The following is an entry in ClinVar:

ClinVar aggregate classification (germline): Uncertain significance. Review status: criteria provided, multiple submitters, no conflicts (2 of 4 stars). 3 submissions from 3 submitters: Uncertain significance (3). Last evaluated 2026-07-01.

Conditions:
NEK1-related disorder. Also called: NEK1-related condition.
Inborn genetic diseases. Identifiers: MedGen C0950123, MeSH D030342.

Allele frequency attached by ClinVar (database versions not stated): gnomAD exomes 0.00001; TOPMed 0.00001.
gnomAD v4.1: 11 of 1,612,714 alleles (0.00068%); highest among the groups gnomAD compares: Non-Finnish European, 0.00093%; no homozygotes.

Submissions (3):

CeGaT Center for Human Genetics Tuebingen
Classification: Uncertain significance. Last evaluated: 2026-07-01. Review status: criteria provided, single submitter. Criteria: CeGaT Center For Human Genetics Tuebingen Variant Classification Criteria Version 2. Collection method: clinical testing. Allele origin: germline. Affected: yes. Observed: 1 variant allele.
Comment: NEK1: PM2

Ambry Genetics
Classification: Uncertain significance for Inborn genetic diseases. Last evaluated: 2025-09-24. Review status: criteria provided, single submitter. Criteria: Ambry Variant Classification Scheme 2023. Collection method: clinical testing. Allele origin: germline.

PreventionGenetics, part of Exact Sciences
Classification: Uncertain significance for NEK1-related condition. Last evaluated: 2023-06-12. Review status: criteria provided, single submitter. Criteria: ACMG Guidelines, 2015. Collection method: clinical testing. Allele origin: germline.
Comment: The NEK1 c.1651G>A variant is predicted to result in the amino acid substitution p.Ala551Thr. To our knowledge, this variant has not been reported in the literature or in a large population database, indicating this variant is rare. At this time, the clinical significance of this variant is uncertain due to the absence of conclusive functional and genetic evidence.

NM_001199397.3(NEK1):c.1651G>A (p.Ala551Thr)

Gene: NEK1 (NIMA related kinase 1; minus strand). Cytogenetic location: 4q33.
Variant type: single nucleotide variant.
Coding change: c.1651G>A on transcript NM_001199397.3 (MANE Select); coding-DNA position 1651, G replaced by A.
Protein change: p.Ala551Thr; replaces alanine 551 with threonine.
Molecular consequence: missense variant. On other transcripts: non-coding transcript variant (1).
Genome position (GRCh38, 1-based): chr4:169,537,823, C>T on the plus strand (G>A on the coding strand, the complement: NEK1 is on the minus strand). VCF-style: chr4-169537823-C-T. GRCh37 (hg19) VCF-style: chr4-170458974-C-T.
Other names: c.1519G>A, p.Ala507Thr (NM_001199398.3, NM_001199400.3); c.1444G>A, p.Ala482Thr (NM_001199399.3); c.1651G>A, p.Ala551Thr (NM_001374418.1, NM_001374419.1, NM_012224.4); c.1600G>A, p.Ala534Thr (NM_001374420.1); c.1525G>A, p.Ala509Thr (NM_001374421.1); short protein forms A482T, A507T, A509T, A534T, A551T.
Identifiers: ClinVar variation 2632282 (VCV002632282.3), dbSNP rs946101419, ClinGen allele CA109918459.
Genomic context (GRCh38, chr4:169,537,823, plus strand): 5'-GGAATACTAATACATTCAAAATCTCAGAAACAAACAAAATTCATACCATATGTCCTTCGG[C>T]TCGAGCTTTATTCTGCATAGCTTCCCGTTTTCGCTGCAGGAACTCTTCTACTTGTTTAGC-3'
Protein context (NP_001186326.1, residues 541-561): KREAMQNKAR[Ala551Thr]EGHMGILQNL